The following is an entry in ClinVar:

NM_002335.4(LRP5):c.4025G>C (p.Arg1342Pro)

Gene: LRP5 (LDL receptor related protein 5; plus strand). Cytogenetic location: 11q13.2.
Variant type: single nucleotide variant.
Coding change: c.4025G>C on transcript NM_002335.4 (MANE Select); coding-DNA position 4025, G replaced by C.
Protein change: p.Arg1342Pro; replaces arginine 1342 with proline.
Molecular consequence: missense variant.
Genome position (GRCh38, 1-based): chr11:68,436,913, G>C. VCF-style: chr11-68436913-G-C. GRCh37 (hg19) VCF-style: chr11-68204381-G-C.
Other names: c.2282G>C, p.Arg761Pro (NM_001291902.2); c.4025G>C (NM_002335.3); short protein forms R761P, R1342P.
Identifiers: ClinVar variation 1421750 (VCV001421750.9), dbSNP rs150088620, ClinGen allele CA6150209.
Genomic context (GRCh38, chr11:68,436,913, plus strand): 5'-CTCCAGCCTCTCTGAGTGCATGGCCTCTCCTTGCAGCCATCTGCCTGCCCAACCAGTTCC[G>C]GTGTGCGAGCGGCCAGTGTGTCCTCATCAAACAGCAGTGCGACTCCTTCCCCGACTGTAT-3'
Protein context (NP_002326.2, residues 1332-1352): CDAICLPNQF[Arg1342Pro]CASGQCVLIK

ClinVar aggregate classification (germline): Conflicting classifications of pathogenicity. Review status: criteria provided, conflicting classifications (1 of 4 stars). 3 submissions from 3 submitters: Uncertain significance (2); Likely benign (1). Last evaluated 2026-08-24.

Conditions:
Worth disease. Also called: ENDOSTEAL HYPEROSTOSIS, AUTOSOMAL DOMINANT; OSTEOSCLEROSIS, AUTOSOMAL DOMINANT; Autosomal dominant osteosclerosis, Worth type. Identifiers: Orphanet 2790, MedGen C0432273, MONDO:0007764, OMIM 144750.
Bone mineral density quantitative trait locus 1 (BMND1). Identifiers: MedGen C1866079, OMIM 601884.
Polycystic liver disease 4 with or without kidney cysts. Identifiers: MedGen C4693479, MONDO:0044327, OMIM 617875.
Exudative vitreoretinopathy 4 (EVR4). Identifiers: Orphanet 891, MedGen C1866176, MONDO:0011151, OMIM 601813.
Autosomal dominant osteopetrosis 1 (OPTA1). Also called: OSTEOPETROSIS, AUTOSOMAL DOMINANT, TYPE I. Identifiers: Orphanet 2783, MedGen C1843330, MONDO:0011877, OMIM 607634.
Osteoporosis with pseudoglioma (OPPG). Also called: osteoporosis-pseudoglioma syndrome. Identifiers: Orphanet 2788, MedGen C0432252, MONDO:0009820, OMIM 259770.
LRP5-related disorder. Also called: LRP5-related condition.

gnomAD v4.1: 67 of 1,613,800 alleles (0.0042%); highest among the groups gnomAD compares: Admixed American, 0.062%; no homozygotes.

Submissions (3):

PreventionGenetics, part of Exact Sciences
Classification: Uncertain significance for LRP5-related condition. Last evaluated: 2026-08-24. Review status: criteria provided, single submitter. Criteria: ACMG Guidelines, 2015. Collection method: clinical testing. Allele origin: germline.
Comment: The LRP5 c.4025G>C variant is predicted to result in the amino acid substitution p.Arg1342Pro. To our knowledge, this variant has not been reported in the literature in association with disease. This variant is present in 0.085% of alleles in individuals of Latino descent in gnomAD, which may be too common to be an unreported cause of disease. Although we suspect that this variant may be benign, at this time, the clinical significance of this variant is uncertain due to the absence of conclusive functional and genetic evidence.

Labcorp Genetics (formerly Invitae), Labcorp
Classification: Likely benign. Last evaluated: 2025-09-15. Review status: criteria provided, single submitter. Criteria: Invitae Variant Classification Sherloc (09022015). Collection method: clinical testing. Allele origin: germline.

Fulgent Genetics
Classification: Uncertain significance for Worth disease; Osteoporosis with pseudoglioma; Exudative vitreoretinopathy 4; Bone mineral density quantitative trait locus 1; Autosomal dominant osteopetrosis 1; Polycystic liver disease 4 with or without kidney cysts. Last evaluated: 2024-02-27. Review status: criteria provided, single submitter. Criteria: ACMG Guidelines, 2015. Collection method: clinical testing. Allele origin: germline.